The following is an entry in ClinVar:

ClinVar aggregate classification (germline): Conflicting classifications of pathogenicity. Review status: criteria provided, conflicting classifications (1 of 4 stars). 3 submissions from 3 submitters: Uncertain significance (1); Likely benign (2). Last evaluated 2024-05-31.

Conditions:
Hereditary cancer-predisposing syndrome. Also called: Hereditary neoplastic syndrome; Tumor predisposition; Hereditary Cancer Syndrome; Neoplastic Syndromes, Hereditary. Identifiers: Orphanet 140162, MedGen C0027672, MeSH D009386, MONDO:0015356.
Fanconi anemia (FA). Also called: Fanconi's anemia. Identifiers: Orphanet 84, MedGen C0015625, MeSH D005199, MONDO:0019391.

Allele frequency attached by ClinVar (database versions not stated): gnomAD 0.00001.
gnomAD v4.1: 1 of 1,614,054 alleles (0.000062%); highest among the groups gnomAD compares: Non-Finnish European, 0.000085%; no homozygotes.

Submissions (3):

GeneDx
Classification: Uncertain significance. Last evaluated: 2024-05-31. Review status: criteria provided, single submitter. Criteria: GeneDx Variant Classification Process June 2021. Collection method: clinical testing. Allele origin: germline. Affected: yes.
Comment: Not observed at significant frequency in large population cohorts (gnomAD); In silico analysis supports that this variant does not alter splicing; Has not been previously published as pathogenic or benign to our knowledge

Labcorp Genetics (formerly Invitae), Labcorp
Classification: Likely benign for Fanconi anemia. Last evaluated: 2023-11-08. Review status: criteria provided, single submitter. Criteria: Invitae Variant Classification Sherloc (09022015). Collection method: clinical testing. Allele origin: germline.

Ambry Genetics
Classification: Likely benign for Hereditary cancer-predisposing syndrome. Last evaluated: 2019-09-21. Review status: criteria provided, single submitter. Criteria: Ambry Variant Classification Scheme 2023. Collection method: clinical testing. Allele origin: germline.

NM_000136.3(FANCC):c.1594A>C (p.Arg532=)

Genes: FANCC (FA complementation group C; minus strand), AOPEP (aminopeptidase O (putative); plus strand). Cytogenetic location: 9q22.32.
Variant type: single nucleotide variant.
Coding change: c.1594A>C on transcript NM_000136.3 (MANE Select); coding-DNA position 1594, A replaced by C.
Protein change: p.Arg532=; no amino-acid change (arginine 532 retained).
Molecular consequence: synonymous variant.
Genome position (GRCh38, 1-based): chr9:95,101,790, T>G on the plus strand (A>C on the coding strand, the complement: FANCC is on the minus strand). VCF-style: chr9-95101790-T-G. GRCh37 (hg19) VCF-style: chr9-97864072-T-G.
Other names: c.1594A>C, p.Arg532= (NM_001243743.2).
Identifiers: ClinVar variation 220912 (VCV000220912.14), dbSNP rs764649916, ClinGen allele CA348732.